The following is an entry in ClinVar:

NM_020549.5(CHAT):c.1441del (p.Arg481fs)

Gene: CHAT (choline O-acetyltransferase; plus strand). Cytogenetic location: 10q11.23.
Variant type: Deletion.
Coding change: c.1441del on transcript NM_020549.5 (MANE Select); coding-DNA position 1441, one base deleted (C; older notation c.1441delC).
Protein change: p.Arg481fs; shifts the reading frame from arginine 481.
Molecular consequence: frameshift variant.
Genome position (GRCh38, 1-based): chr10:49,649,566, C deleted; the last of 6 consecutive C bases (chr10:49,649,561-49,649,566); deleting any one gives the same sequence. VCF-style (leftmost placement, unchanged base first): chr10-49649560-GC-G. GRCh37 (hg19) VCF-style: chr10-50857606-GC-G.
Other names: c.1087del, p.Arg363fs (NM_001142929.2, NM_001142934.2, NM_020984.4 and 2 more transcripts); c.1195del, p.Arg399fs (NM_001142933.2); short protein forms R481fs, R363fs, R399fs.
Identifiers: ClinVar variation 2787607 (VCV002787607.3), dbSNP rs773268576, ClinGen allele CA593374276.

ClinVar aggregate classification (germline): Pathogenic (1 of 4 stars; one submission).

Conditions:
Familial infantile myasthenia (CMS6). Also called: MYASTHENIC SYNDROME, PRESYNAPTIC, CONGENITAL, ASSOCIATED WITH EPISODIC APNEA; MYASTHENIC SYNDROME, CONGENITAL, 6, PRESYNAPTIC; Congenital myasthenic syndrome type 6. Identifiers: Orphanet 590, MedGen C0393929, MONDO:0009689, OMIM 254210.

Submission:

Labcorp Genetics (formerly Invitae), Labcorp
Classification: Pathogenic for Familial infantile myasthenia. Last evaluated: 2023-11-09. Review status: criteria provided, single submitter. Criteria: Invitae Variant Classification Sherloc (09022015). Collection method: clinical testing. Allele origin: germline.
Comment: This sequence change creates a premature translational stop signal (p.Arg481Glyfs*15) in the CHAT gene. It is expected to result in an absent or disrupted protein product. Loss-of-function variants in CHAT are known to be pathogenic (PMID: 12548525, 21786365, 23292760). This variant is not present in population databases (gnomAD no frequency). This variant has not been reported in the literature in individuals affected with CHAT-related conditions. For these reasons, this variant has been classified as Pathogenic.

Literature cited by the submitters: PubMed 12548525; PubMed 21786365; PubMed 23292760.